The following is an entry in ClinVar:

NM_000642.3(AGL):c.1424-2A>G

Gene: AGL (amylo-alpha-1,6-glucosidase and 4-alpha-glucanotransferase; plus strand). Cytogenetic location: 1p21.2.
Variant type: single nucleotide variant.
Coding change: c.1424-2A>G on transcript NM_000642.3 (MANE Select); the canonical splice acceptor site of the intron before coding-DNA position 1424, A replaced by G.
Molecular consequence: splice acceptor variant.
Genome position (GRCh38, 1-based): chr1:99,877,639, A>G. VCF-style: chr1-99877639-A-G. GRCh37 (hg19) VCF-style: chr1-100343195-A-G.
Other names: c.1424-2A>G (NM_000643.3, NM_000644.3, NM_001425326.1 and 2 more transcripts); c.1376-2A>G (NM_000646.3); c.1223-2A>G (NM_001425327.1); c.1220-2A>G (NM_001425328.1, NM_001425329.1); c.1046-2A>G (NM_001425332.1).
Identifiers: ClinVar variation 5004204 (VCV005004204.1).

ClinVar aggregate classification (germline): Likely pathogenic (1 of 4 stars; one submission).

Conditions:
Glycogen storage disease type III (GSD3). Also called: Cori disease; FORBES DISEASE. Identifiers: Orphanet 366, MedGen C0017922, MONDO:0009291, OMIM 232400.

Submission:

Myriad Genetics, Inc.
Classification: Likely pathogenic for Glycogen storage disease type III. Last evaluated: 2025-10-01. Review status: criteria provided, single submitter. Criteria: Myriad Autosomal Dominant, Autosomal Recessive and X-Linked Classification Criteria (2023). Collection method: clinical testing. Allele origin: unknown.
Comment: NM_000642.2(AGL):c.1424-2A>G is a variant in a canonical splice site classified as likely pathogenic in the context of glycogen storage disease type III. c.1424-2A>G has not been observed in cases with relevant disease. Relevant functional assessments of this variant are not available in the literature. c.1424-2A>G has not been observed in referenced population frequency databases. In summary, NM_000642.2(AGL):c.1424-2A>G is a variant in a canonical splice site in a gene where loss of function is a known mechanism of disease and is predicted to disrupt protein function. Please note: this variant was assessed in the context of healthy population screening.